The following is an entry in ClinVar:

NM_000398.7(CYB5R3):c.431G>T (p.Gly144Val)

Gene: CYB5R3 (cytochrome b5 reductase 3; minus strand). Cytogenetic location: 22q13.2.
Variant type: single nucleotide variant.
Coding change: c.431G>T on transcript NM_000398.7 (MANE Select); coding-DNA position 431, G replaced by T.
Protein change: p.Gly144Val; replaces glycine 144 with valine.
Molecular consequence: missense variant.
Genome position (GRCh38, 1-based): chr22:42,628,184, C>A on the plus strand (G>T on the coding strand, the complement: CYB5R3 is on the minus strand). VCF-style: chr22-42628184-C-A. GRCh37 (hg19) VCF-style: chr22-43024190-C-A.
Other names: p.Gly144Val; c.362G>T, p.Gly121Val (NM_001129819.2, NM_001171661.1, NM_007326.4); c.530G>T, p.Gly177Val (NM_001171660.2); short protein forms G121V, G144V, G177V.
Identifiers: ClinVar variation 4292171 (VCV004292171.3).

ClinVar aggregate classification (germline): Conflicting classifications of pathogenicity. Review status: criteria provided, conflicting classifications (1 of 4 stars). 2 submissions from 2 submitters: Likely pathogenic (1); Uncertain significance (1). Last evaluated 2025-12-12.

Conditions:
Deficiency of cytochrome-b5 reductase. Also called: METHEMOGLOBINEMIA, CONGENITAL, AUTOSOMAL RECESSIVE; NADH-DEPENDENT METHEMOGLOBIN REDUCTASE DEFICIENCY. Identifiers: Orphanet 621, MedGen C0268193, MONDO:0009606, OMIM 250800.

gnomAD v4.1: 8 of 1,614,086 alleles (0.0005%); highest among the groups gnomAD compares: Admixed American, 0.012%; no homozygotes.

Submissions (2):

3billion
Classification: Uncertain significance for Deficiency of cytochrome-b5 reductase. Last evaluated: 2025-12-12. Review status: criteria provided, single submitter. Criteria: ACMG Guidelines, 2015. Collection method: clinical testing. Allele origin: germline. Affected: yes.
Comment: The variant is observed at an extremely low frequency in the gnomAD v4.1.0 dataset (total allele frequency: <0.001%). Predicted Consequence/Location: Missense variant In silico tool predictions suggest damaging effect of the variant on gene or gene product [REVEL: 0.93 (>=0.6, sensitivity 0.68 and specificity 0.92); 3Cnet: 0.97 (> 0.75, sensitivity 0.96 and precision 0.92)]. The same nucleotide change resulting in the same amino acid change has been previously reported to be associated with CYB5R3-related disorder (PMID: 39119995). A different missense change at the same codon (p.Gly144Asp) has been reported to be associated with CYB5R3-related disorder (PMID: 17964195). However the evidence of pathogenicity is insufficient at this time. Therefore, this variant is classified as VUS according to the recommendation of ACMG/AMP guideline.

Mayo Clinic Laboratories, Mayo Clinic
Classification: Likely pathogenic. Last evaluated: 2025-12-09. Review status: criteria provided, single submitter. Criteria: ACMG Guidelines, 2015. Collection method: clinical testing. Allele origin: germline. Observed: 2 variant alleles.
Comment: PP3_moderate, PM2_supporting, PM3_supporting, PM5

Literature cited by the submitters: PubMed 17964195 (cited by 3billion); PubMed 39119995 (cited by 3billion and Mayo Clinic Laboratories, Mayo Clinic).